The following is an entry in ClinVar:

NM_007294.4(BRCA1):c.3816C>A (p.Asn1272Lys)

Genes: BRCA1 (BRCA1 DNA repair associated; minus strand), LOC126862571 (BRD4-independent group 4 enhancer GRCh37_chr17:41243136-41244335; plus strand). Cytogenetic location: 17q21.31.
Variant type: single nucleotide variant.
Coding change: c.3816C>A on transcript NM_007294.4 (MANE Select); coding-DNA position 3816, C replaced by A.
Protein change: p.Asn1272Lys; replaces asparagine 1272 with lysine.
Molecular consequence: missense variant. On other transcripts: intron variant (135).
Genome position (GRCh38, 1-based): chr17:43,091,715, G>T on the plus strand (C>A on the coding strand, the complement: BRCA1 is on the minus strand). VCF-style: chr17-43091715-G-T. GRCh37 (hg19) VCF-style: chr17-41243732-G-T.
Other names: c.3603C>A, p.Asn1201Lys (NM_001407571.1, NM_001407853.1, NM_001407894.1 and 9 more transcripts); c.3816C>A, p.Asn1272Lys (NM_001407581.1, NM_001407582.1, NM_001407583.1 and 30 more transcripts); c.3813C>A, p.Asn1271Lys (NM_001407587.1, NM_001407590.1, NM_001407591.1 and 22 more transcripts); c.3807C>A, p.Asn1269Lys (NM_001407646.1, NM_001407647.1); c.3693C>A, p.Asn1231Lys (NM_001407648.1, NM_001407664.1, NM_001407665.1 and 19 more transcripts); c.3690C>A, p.Asn1230Lys (NM_001407649.1, NM_001407670.1, NM_001407671.1 and 11 more transcripts); c.3738C>A, p.Asn1246Lys (NM_001407653.1, NM_001407654.1, NM_001407655.1 and 4 more transcripts); c.3735C>A, p.Asn1245Lys (NM_001407659.1, NM_001407660.1, NM_001407661.1 and 1 more transcripts); and 41 more; short protein forms N1272K, N1225K, N1204K, N1224K, N1271K, N976K, N1104K, N1145K.
Identifiers: ClinVar variation 185053 (VCV000185053.20), dbSNP rs786201893, ClinGen allele CA002458.

ClinVar aggregate classification (germline): Conflicting classifications of pathogenicity. Review status: criteria provided, conflicting classifications (1 of 4 stars). 4 submissions from 4 submitters: Uncertain significance (3); Likely benign (1). Last evaluated 2025-01-05.

Conditions:
Hereditary cancer-predisposing syndrome. Also called: Hereditary neoplastic syndrome; Neoplastic Syndromes, Hereditary; Tumor predisposition; Hereditary Cancer Syndrome. Identifiers: Orphanet 140162, MedGen C0027672, MeSH D009386, MONDO:0015356.
Hereditary breast ovarian cancer syndrome. Also called: Hereditary breast and ovarian cancer syndrome (HBOC); Breast and ovarian cancer; Hereditary breast and/or ovarian cancer syndrome; BRCA1- and BRCA2-Associated Hereditary Breast and Ovarian Cancer; Hereditary breast and ovarian cancer syndrome; Hereditary breast and ovarian cancer. Identifiers: Orphanet 145, MedGen C0677776, MeSH D061325, MONDO:0003582. Disease mechanism: loss of function.

Allele frequency attached by ClinVar (database versions not stated): gnomAD exomes below 0.00001.
gnomAD v4.1: 2 of 1,614,162 alleles (0.00012%); highest among the groups gnomAD compares: Non-Finnish European, 0.00017%; no homozygotes.

Submissions (4):

Ambry Genetics
Classification: Uncertain significance for Hereditary cancer-predisposing syndrome. Last evaluated: 2025-01-05. Review status: criteria provided, single submitter. Criteria: Ambry Variant Classification Scheme 2023. Collection method: clinical testing. Allele origin: germline.
Comment: The p.N1272K variant (also known as c.3816C>A), located in coding exon 9 of the BRCA1 gene, results from a C to A substitution at nucleotide position 3816. The asparagine at codon 1272 is replaced by lysine, an amino acid with similar properties. This amino acid position is poorly conserved in available vertebrate species. In addition, the in silico prediction for this alteration is inconclusive. Since supporting evidence is limited at this time, the clinical significance of this alteration remains unclear.

Labcorp Genetics (formerly Invitae), Labcorp
Classification: Uncertain significance for Hereditary breast ovarian cancer syndrome. Last evaluated: 2024-08-27. Review status: criteria provided, single submitter. Criteria: Invitae Variant Classification Sherloc (09022015). Collection method: clinical testing. Allele origin: germline.
Comment: This sequence change replaces asparagine, which is neutral and polar, with lysine, which is basic and polar, at codon 1272 of the BRCA1 protein (p.Asn1272Lys). This variant is not present in population databases (gnomAD no frequency). This variant has not been reported in the literature in individuals affected with BRCA1-related conditions. ClinVar contains an entry for this variant (Variation ID: 185053). Invitae Evidence Modeling of protein sequence and biophysical properties (such as structural, functional, and spatial information, amino acid conservation, physicochemical variation, residue mobility, and thermodynamic stability) indicates that this missense variant is not expected to disrupt BRCA1 protein function with a negative predictive value of 95%. In summary, the available evidence is currently insufficient to determine the role of this variant in disease. Therefore, it has been classified as a Variant of Uncertain Significance.

University of Washington Department of Laboratory Medicine, University of Washington
Classification: Likely benign for Hereditary cancer-predisposing syndrome. Last evaluated: 2023-03-23. Review status: criteria provided, single submitter. Criteria: Dines et al. (Genet Med. 2020). Collection method: curation. Allele origin: germline.
Comment: Missense variant in a coldspot region where missense variants are very unlikely to be pathogenic (PMID:31911673).

BRCA1 coldspot (exon 11 using historical exon numbering). Reclassification based on statistical prior probability

Color Diagnostics, LLC DBA Color Health
Classification: Uncertain significance for Hereditary cancer-predisposing syndrome. Last evaluated: 2019-03-15. Review status: criteria provided, single submitter. Criteria: ACMG Guidelines, 2015. Collection method: clinical testing. Allele origin: germline.